The following is an entry in ClinVar:

ClinVar aggregate classification (germline): Uncertain significance. Review status: criteria provided, multiple submitters, no conflicts (2 of 4 stars). 2 submissions from 2 submitters: Uncertain significance (2). Last evaluated 2025-05-07.

Conditions:
Inborn genetic diseases. Identifiers: MedGen C0950123, MeSH D030342.
Singleton-Merten syndrome 1 (SGMRT1). Also called: Widened medullary cavities of bone, aortic calcification, abnormal dentition, and muscular weakness; Syndrome of widened medullary cavities of the metacarpals and phalanges, aortic calcification and abnormal dentition. Identifiers: Orphanet 85191, MedGen C4225427, MONDO:0024535, OMIM 182250.
Aicardi-Goutieres syndrome 7 (AGS7). Identifiers: Orphanet 51, MedGen C3888244, MONDO:0014367, OMIM 615846.

Allele frequency attached by ClinVar (database versions not stated): ExAC 0.00001; gnomAD 0.00001; TOPMed 0.00001; gnomAD exomes 0.00003.
gnomAD v4.1: 37 of 1,603,908 alleles (0.0023%); highest among the groups gnomAD compares: Non-Finnish European, 0.0031%; no homozygotes.

Submissions (2):

Ambry Genetics
Classification: Uncertain significance for Inborn genetic diseases. Last evaluated: 2025-05-07. Review status: criteria provided, single submitter. Criteria: Ambry Variant Classification Scheme 2023. Collection method: clinical testing. Allele origin: germline.

Labcorp Genetics (formerly Invitae), Labcorp
Classification: Uncertain significance for Aicardi-Goutieres syndrome 7; Singleton-Merten syndrome 1. Last evaluated: 2023-11-24. Review status: criteria provided, single submitter. Criteria: Invitae Variant Classification Sherloc (09022015). Collection method: clinical testing. Allele origin: germline.
Comment: This sequence change replaces arginine, which is basic and polar, with cysteine, which is neutral and slightly polar, at codon 598 of the IFIH1 protein (p.Arg598Cys). This variant is present in population databases (rs200741709, gnomAD 0.002%). This variant has not been reported in the literature in individuals affected with IFIH1-related conditions. ClinVar contains an entry for this variant (Variation ID: 2065012). Advanced modeling of protein sequence and biophysical properties (such as structural, functional, and spatial information, amino acid conservation, physicochemical variation, residue mobility, and thermodynamic stability) has been performed at Invitae for this missense variant, however the output from this modeling did not meet the statistical confidence thresholds required to predict the impact of this variant on IFIH1 protein function. In summary, the available evidence is currently insufficient to determine the role of this variant in disease. Therefore, it has been classified as a Variant of Uncertain Significance.

NM_022168.4(IFIH1):c.1792C>T (p.Arg598Cys)

Gene: IFIH1 (interferon induced with helicase C domain 1; minus strand). Cytogenetic location: 2q24.2.
Variant type: single nucleotide variant.
Coding change: c.1792C>T on transcript NM_022168.4 (MANE Select); coding-DNA position 1792, C replaced by T.
Protein change: p.Arg598Cys; replaces arginine 598 with cysteine.
Molecular consequence: missense variant.
Genome position (GRCh38, 1-based): chr2:162,277,667, G>A on the plus strand (C>T on the coding strand, the complement: IFIH1 is on the minus strand). VCF-style: chr2-162277667-G-A. GRCh37 (hg19) VCF-style: chr2-163134177-G-A.
Other names: c.1792C>T (NM_022168.2); short protein forms R598C.
Identifiers: ClinVar variation 2065012 (VCV002065012.5), dbSNP rs200741709, ClinGen allele CA1934388.
Genomic context (GRCh38, chr2:162,277,667, plus strand): 5'-GAATTGTGTCATTAATTTGTAGGGCCTCATTGTACTTCCTCAAATGTTCTGCACAAACAC[G>A]TTCTTTGCGATTTCCTTCTTTTGCAGCTGTGAAAAAATATATTATGTAAGTGAAATAATA-3'
Protein context (NP_071451.2, residues 588-608): KAAKEGNRKE[Arg598Cys]VCAEHLRKYN